The following is an entry in ClinVar:

ClinVar aggregate classification (germline): Uncertain significance (1 of 4 stars; one submission).

Submission:

Labcorp Genetics (formerly Invitae), Labcorp
Classification: Uncertain significance. Last evaluated: 2023-10-16. Review status: criteria provided, single submitter. Criteria: Invitae Variant Classification Sherloc (09022015). Collection method: clinical testing. Allele origin: germline.
Comment: This sequence change replaces serine, which is neutral and polar, with asparagine, which is neutral and polar, at codon 1507 of the LRP2 protein (p.Ser1507Asn). This variant is not present in population databases (gnomAD no frequency). This variant has not been reported in the literature in individuals affected with LRP2-related conditions. ClinVar contains an entry for this variant (Variation ID: 1516964). Advanced modeling of protein sequence and biophysical properties (such as structural, functional, and spatial information, amino acid conservation, physicochemical variation, residue mobility, and thermodynamic stability) performed at Invitae indicates that this missense variant is expected to disrupt LRP2 protein function. In summary, the available evidence is currently insufficient to determine the role of this variant in disease. Therefore, it has been classified as a Variant of Uncertain Significance.

NM_004525.3(LRP2):c.4520G>A (p.Ser1507Asn)

Gene: LRP2 (LDL receptor related protein 2; minus strand). Cytogenetic location: 2q31.1.
Variant type: single nucleotide variant.
Coding change: c.4520G>A on transcript NM_004525.3 (MANE Select); coding-DNA position 4520, G replaced by A.
Protein change: p.Ser1507Asn; replaces serine 1507 with asparagine.
Molecular consequence: missense variant.
Genome position (GRCh38, 1-based): chr2:169,237,274, C>T on the plus strand (G>A on the coding strand, the complement: LRP2 is on the minus strand). VCF-style: chr2-169237274-C-T. GRCh37 (hg19) VCF-style: chr2-170093784-C-T.
Other names: short protein forms S1507N.
Identifiers: ClinVar variation 1516964 (VCV001516964.6), dbSNP rs1263572381, ClinGen allele CA349143679.